The following is an entry in ClinVar:

ClinVar aggregate classification (germline): Likely benign (0 of 4 stars; one submission).

Conditions:
PHC1-related disorder. Also called: PHC1-related condition.

Allele frequency attached by ClinVar (database versions not stated): ExAC 0.00003; gnomAD 0.00007; TOPMed 0.00008.
gnomAD v4.1: 282 of 1,596,622 alleles (0.018%); highest among the groups gnomAD compares: Non-Finnish European, 0.023%; no homozygotes.

Submission:

PreventionGenetics, part of Exact Sciences
Classification: Likely benign for PHC1-related condition. Last evaluated: 2019-05-01. Review status: no assertion criteria provided. Collection method: clinical testing. Allele origin: germline.
Comment: This variant is classified as likely benign based on ACMG/AMP sequence variant interpretation guidelines (Richards et al. 2015 PMID: 25741868, with internal and published modifications).

NM_004426.3(PHC1):c.219C>A (p.Val73=)

Gene: PHC1 (polyhomeotic homolog 1; plus strand). Cytogenetic location: 12p13.31.
Variant type: single nucleotide variant.
Coding change: c.219C>A on transcript NM_004426.3 (MANE Select); coding-DNA position 219, C replaced by A.
Protein change: p.Val73=; no amino-acid change (valine 73 retained).
Molecular consequence: synonymous variant. On other transcripts: non-coding transcript variant (1), intron variant (1).
Genome position (GRCh38, 1-based): chr12:8,919,860, C>A. VCF-style: chr12-8919860-C-A. GRCh37 (hg19) VCF-style: chr12-9072456-C-A.
Other names: c.219C>A, p.Val73= (NM_001413738.1, NM_001413739.1, NM_001413740.1 and 13 more transcripts); c.115-1125C>A (NM_001413741.1).
Identifiers: ClinVar variation 3037744 (VCV003037744.2), dbSNP rs201150017, ClinGen allele CA6436747.